The following is an entry in ClinVar:

NM_001292034.3(TAB2):c.1048A>T (p.Ser350Cys)

Genes: TAB2 (TGF-beta activated kinase 1 (MAP3K7) binding protein 2; plus strand), LOC126859827 (BRD4-independent group 4 enhancer GRCh37_chr6:149699707-149700906; plus strand). Cytogenetic location: 6q25.1.
Variant type: single nucleotide variant.
Coding change: c.1048A>T on transcript NM_001292034.3 (MANE Select); coding-DNA position 1048, A replaced by T.
Protein change: p.Ser350Cys; replaces serine 350 with cysteine.
Molecular consequence: missense variant.
Genome position (GRCh38, 1-based): chr6:149,378,963, A>T. VCF-style: chr6-149378963-A-T. GRCh37 (hg19) VCF-style: chr6-149700099-A-T.
Other names: c.952A>T, p.Ser318Cys (NM_001292035.3); c.1048A>T, p.Ser350Cys (NM_001369506.1, NM_015093.6); short protein forms S318C, S350C.
Identifiers: ClinVar variation 3378311 (VCV003378311.1).

ClinVar aggregate classification (germline): Uncertain significance (1 of 4 stars; one submission).

Submission:

GeneDx
Classification: Uncertain significance. Last evaluated: 2024-05-14. Review status: criteria provided, single submitter. Criteria: GeneDx Variant Classification Process June 2021. Collection method: clinical testing. Allele origin: germline. Affected: yes.
Comment: Not observed at significant frequency in large population cohorts (gnomAD); In silico analysis indicates that this missense variant does not alter protein structure/function; Has not been previously published as pathogenic or benign to our knowledge